The following is an entry in ClinVar:

NM_005732.4(RAD50):c.1075C>A (p.Arg359Ser)

Gene: RAD50 (RAD50 double strand break repair protein; plus strand). Cytogenetic location: 5q31.1.
Variant type: single nucleotide variant.
Coding change: c.1075C>A on transcript NM_005732.4 (MANE Select); coding-DNA position 1075, C replaced by A.
Protein change: p.Arg359Ser; replaces arginine 359 with serine.
Molecular consequence: missense variant.
Genome position (GRCh38, 1-based): chr5:132,588,710, C>A. VCF-style: chr5-132588710-C-A. GRCh37 (hg19) VCF-style: chr5-131924402-C-A.
Other names: short protein forms R359S.
Identifiers: ClinVar variation 3786293 (VCV003786293.1).

ClinVar aggregate classification (germline): Uncertain significance (1 of 4 stars; one submission).

Conditions:
Hereditary cancer-predisposing syndrome. Also called: Neoplastic Syndromes, Hereditary; Hereditary Cancer Syndrome; Tumor predisposition; Hereditary neoplastic syndrome. Identifiers: Orphanet 140162, MedGen C0027672, MeSH D009386, MONDO:0015356.

Submission:

Ambry Genetics
Classification: Uncertain significance for Hereditary cancer-predisposing syndrome. Last evaluated: 2025-01-18. Review status: criteria provided, single submitter. Criteria: Ambry Variant Classification Scheme 2023. Collection method: clinical testing. Allele origin: germline.
Comment: The p.R359S variant (also known as c.1075C>A), located in coding exon 8 of the RAD50 gene, results from a C to A substitution at nucleotide position 1075. The arginine at codon 359 is replaced by serine, an amino acid with dissimilar properties. This amino acid position is conserved. In addition, this alteration is predicted to be tolerated by in silico analysis. Based on the available evidence, the clinical significance of this variant remains unclear.